The following is an entry in ClinVar:

ClinVar aggregate classification (germline): Conflicting classifications of pathogenicity. Review status: criteria provided, conflicting classifications (1 of 4 stars). 3 submissions from 3 submitters: Pathogenic (1); Likely pathogenic (1); Uncertain significance (1). Last evaluated 2025-06-06.

Conditions:
Early-infantile DEE. Also called: Early infantile epileptic encephalopathy; Ohtahara syndrome; Early infantile epileptic encephalopathy with suppression bursts. Identifiers: Orphanet 1934, MedGen C0393706, MONDO:0800491.

Submissions (3):

GeneDx
Classification: Pathogenic. Last evaluated: 2025-06-06. Review status: criteria provided, single submitter. Criteria: GeneDx Variant Classification Process June 2021. Collection method: clinical testing. Allele origin: germline. Affected: yes.
Comment: Not observed at significant frequency in large population cohorts (gnomAD); In silico analysis supports that this missense variant has a deleterious effect on protein structure/function; Has not been previously published as pathogenic or benign to our knowledge; This variant is associated with the following publications: (PMID: 27602407)

Revvity Omics, Revvity
Classification: Likely pathogenic. Last evaluated: 2025-04-01. Review status: criteria provided, single submitter. Criteria: ACMG Guidelines, 2015. Collection method: clinical testing. Allele origin: germline.

Labcorp Genetics (formerly Invitae), Labcorp
Classification: Uncertain significance for Early-infantile DEE. Last evaluated: 2018-11-28. Review status: criteria provided, single submitter. Criteria: Invitae Variant Classification Sherloc (09022015). Collection method: clinical testing. Allele origin: germline.
Comment: This variant has not been reported in the literature in individuals with KCNQ2-related conditions. ClinVar contains an entry for this variant (Variation ID: 422045). This sequence change replaces leucine with proline at codon 356 of the KCNQ2 protein (p.Leu356Pro). The leucine residue is highly conserved and there is a moderate physicochemical difference between leucine and proline. This variant is not present in population databases (ExAC no frequency). Algorithms developed to predict the effect of missense changes on protein structure and function (SIFT, PolyPhen-2, Align-GVGD) all suggest that this variant is likely to be disruptive, but these predictions have not been confirmed by published functional studies and their clinical significance is uncertain. In summary, the available evidence is currently insufficient to determine the role of this variant in disease. Therefore, it has been classified as a Variant of Uncertain Significance.

NM_172107.4(KCNQ2):c.1067T>C (p.Leu356Pro)

Gene: KCNQ2 (potassium voltage-gated channel subfamily Q member 2; minus strand). Cytogenetic location: 20q13.33.
Variant type: single nucleotide variant.
Coding change: c.1067T>C on transcript NM_172107.4 (MANE Select); coding-DNA position 1067, T replaced by C.
Protein change: p.Leu356Pro; replaces leucine 356 with proline.
Molecular consequence: missense variant.
Genome position (GRCh38, 1-based): chr20:63,433,860, A>G on the plus strand (T>C on the coding strand, the complement: KCNQ2 is on the minus strand). VCF-style: chr20-63433860-A-G. GRCh37 (hg19) VCF-style: chr20-62065213-A-G.
Other names: c.1067T>C, p.Leu356Pro (NM_004518.6, NM_172106.3, NM_172108.5 and 1 more transcripts); short protein forms L356P.
Identifiers: ClinVar variation 422045 (VCV000422045.16), dbSNP rs1057518772, ClinGen allele CA16620968.